The following is an entry in ClinVar:

NM_005267.5(GJA8):c.614T>C (p.Phe205Ser)

Gene: GJA8 (gap junction protein alpha 8; plus strand). Cytogenetic location: 1q21.2.
Variant type: single nucleotide variant.
Coding change: c.614T>C on transcript NM_005267.5 (MANE Select); coding-DNA position 614, T replaced by C.
Protein change: p.Phe205Ser; replaces phenylalanine 205 with serine.
Molecular consequence: missense variant.
Genome position (GRCh38, 1-based): chr1:147,908,569, T>C. VCF-style: chr1-147908569-T-C. GRCh37 (hg19) VCF-style: chr1-147380696-T-C.
Other names: short protein forms F205S.
Identifiers: ClinVar variation 2118870 (VCV002118870.4), dbSNP rs2524891927, ClinGen allele CA342224979.

ClinVar aggregate classification (germline): Uncertain significance (1 of 4 stars; one submission).

Conditions:
Cataract 1 multiple types. Also called: CATARACT, DUFFY-LINKED; CATARACT 1, NUCLEAR PROGRESSIVE; CATARACT 1 WITH MICROCORNEA; CATARACT 1, MULTIPLE TYPES, WITH OR WITHOUT MICROCORNEA; CATARACT 1, POSTERIOR SUBCAPSULAR, WITH MICROCORNEA; CATARACT 1, STELLATE NUCLEAR, WITH MICROCORNEA. Identifiers: Orphanet 1377, MedGen C1861828, MONDO:0007285, OMIM 116200.

Submission:

Labcorp Genetics (formerly Invitae), Labcorp
Classification: Uncertain significance for Cataract 1 multiple types. Last evaluated: 2022-03-28. Review status: criteria provided, single submitter. Criteria: Invitae Variant Classification Sherloc (09022015). Collection method: clinical testing. Allele origin: germline.
Comment: This sequence change replaces phenylalanine, which is neutral and non-polar, with serine, which is neutral and polar, at codon 205 of the GJA8 protein (p.Phe205Ser). In summary, the available evidence is currently insufficient to determine the role of this variant in disease. Therefore, it has been classified as a Variant of Uncertain Significance. Algorithms developed to predict the effect of missense changes on protein structure and function (SIFT, PolyPhen-2, Align-GVGD) all suggest that this variant is likely to be disruptive. This variant has not been reported in the literature in individuals affected with GJA8-related conditions. This variant is not present in population databases (gnomAD no frequency).